The following is an entry in ClinVar:

NM_001378418.1(TCF20):c.4318A>G (p.Ser1440Gly)

Gene: TCF20 (transcription factor 20; minus strand). Cytogenetic location: 22q13.2.
Variant type: single nucleotide variant.
Coding change: c.4318A>G on transcript NM_001378418.1 (MANE Select); coding-DNA position 4318, A replaced by G.
Protein change: p.Ser1440Gly; replaces serine 1440 with glycine.
Molecular consequence: missense variant.
Genome position (GRCh38, 1-based): chr22:42,210,988, T>C on the plus strand (A>G on the coding strand, the complement: TCF20 is on the minus strand). VCF-style: chr22-42210988-T-C. GRCh37 (hg19) VCF-style: chr22-42606994-T-C.
Other names: c.4318A>G, p.Ser1440Gly (NM_005650.4, NM_181492.3); short protein forms S1440G.
Identifiers: ClinVar variation 4725065 (VCV004725065.1).

ClinVar aggregate classification (germline): Uncertain significance (1 of 4 stars; one submission).

Submission:

Labcorp Genetics (formerly Invitae), Labcorp
Classification: Uncertain significance. Last evaluated: 2025-08-17. Review status: criteria provided, single submitter. Criteria: Invitae Variant Classification Sherloc (09022015). Collection method: clinical testing. Allele origin: germline.
Comment: This sequence change replaces serine, which is neutral and polar, with glycine, which is neutral and non-polar, at codon 1440 of the TCF20 protein (p.Ser1440Gly). This variant is not present in population databases (gnomAD no frequency). This variant has not been reported in the literature in individuals affected with TCF20-related conditions. An algorithm developed to predict the effect of missense changes on protein structure and function outputs the following: PolyPhen-2: "Benign". The glycine amino acid residue is found in multiple mammalian species, which suggests that this missense change does not adversely affect protein function. In summary, the available evidence is currently insufficient to determine the role of this variant in disease. Therefore, it has been classified as a Variant of Uncertain Significance.